The following is an entry in ClinVar:

NM_198282.4(STING1):c.844G>A (p.Glu282Lys)

Gene: STING1 (stimulator of interferon response cGAMP interactor 1; minus strand). Cytogenetic location: 5q31.2.
Variant type: single nucleotide variant.
Coding change: c.844G>A on transcript NM_198282.4 (MANE Select); coding-DNA position 844, G replaced by A.
Protein change: p.Glu282Lys; replaces glutamic acid 282 with lysine.
Molecular consequence: missense variant. On other transcripts: intron variant (1).
Genome position (GRCh38, 1-based): chr5:139,477,431, C>T on the plus strand (G>A on the coding strand, the complement: STING1 is on the minus strand). VCF-style: chr5-139477431-C-T. GRCh37 (hg19) VCF-style: chr5-138857016-C-T.
Other names: c.487G>A, p.Glu163Lys (NM_001367258.1); c.759+839G>A (NM_001301738.2); short protein forms E282K, E163K.
Identifiers: ClinVar variation 1908767 (VCV001908767.5), dbSNP rs1199879569, ClinGen allele CA361479621.

ClinVar aggregate classification (germline): Uncertain significance (1 of 4 stars; one submission).

Conditions:
STING-associated vasculopathy with onset in infancy. Also called: Sting-associated vasculopathy, infantile-onset. Identifiers: Orphanet 425120, MedGen C4014722, MONDO:0014405, OMIM 615934.

Allele frequency attached by ClinVar (database versions not stated): gnomAD exomes below 0.00001; gnomAD 0.00001.
gnomAD v4.1: 9 of 1,614,114 alleles (0.00056%); highest among the groups gnomAD compares: South Asian, 0.0066%; no homozygotes.

Submission:

Labcorp Genetics (formerly Invitae), Labcorp
Classification: Uncertain significance for STING-associated vasculopathy with onset in infancy. Last evaluated: 2025-12-31. Review status: criteria provided, single submitter. Criteria: Invitae Variant Classification Sherloc (09022015). Collection method: clinical testing. Allele origin: germline.
Comment: This sequence change replaces glutamic acid, which is acidic and polar, with lysine, which is basic and polar, at codon 282 of the TMEM173 protein (p.Glu282Lys). This variant is present in population databases (no rsID available, gnomAD 0.006%). This variant has not been reported in the literature in individuals affected with TMEM173-related conditions. ClinVar contains an entry for this variant (Variation ID: 1908767). Invitae Evidence Modeling of protein sequence and biophysical properties (such as structural, functional, and spatial information, amino acid conservation, physicochemical variation, residue mobility, and thermodynamic stability) indicates that this missense variant is not expected to disrupt TMEM173 protein function with a negative predictive value of 80%. In summary, the available evidence is currently insufficient to determine the role of this variant in disease. Therefore, it has been classified as a Variant of Uncertain Significance.